The following is an entry in ClinVar:

NM_199420.4(POLQ):c.971A>G (p.Asp324Gly)

Gene: POLQ (DNA polymerase theta; minus strand). Cytogenetic location: 3q13.33.
Variant type: single nucleotide variant.
Coding change: c.971A>G on transcript NM_199420.4 (MANE Select); coding-DNA position 971, A replaced by G.
Protein change: p.Asp324Gly; replaces aspartic acid 324 with glycine.
Molecular consequence: missense variant.
Genome position (GRCh38, 1-based): chr3:121,529,782, T>C on the plus strand (A>G on the coding strand, the complement: POLQ is on the minus strand). VCF-style: chr3-121529782-T-C. GRCh37 (hg19) VCF-style: chr3-121248629-T-C.
Other names: short protein forms D324G.
Identifiers: ClinVar variation 3422392 (VCV003422392.1).
Genomic context (GRCh38, chr3:121,529,782, plus strand): 5'-CAAAAAAGTAATACTGAATGGTTATCACAAATCGTCTCATAACATAAACTAACAACATGG[T>C]CCTCATCTCCCTAAAACAGAAAGATAAATAACCACTTTAGTGGTCCTTTCAAAAGATTCT-3'
Protein context (NP_955452.3, residues 314-334): EPMLQVKGDE[Asp324Gly]HVVSLCYETI

ClinVar aggregate classification (germline): Uncertain significance (1 of 4 stars; one submission).

gnomAD v4.1: 1 of 1,608,958 alleles (0.000062%); highest among the groups gnomAD compares: Non-Finnish European, 0.000085%; no homozygotes.

Submission:

Ambry Genetics
Classification: Uncertain significance. Last evaluated: 2024-08-19. Review status: criteria provided, single submitter. Criteria: Ambry Variant Classification Scheme 2023. Collection method: clinical testing. Allele origin: germline.
Comment: The p.D324G variant (also known as c.971A>G), located in coding exon 7 of the POLQ gene, results from an A to G substitution at nucleotide position 971. The aspartic acid at codon 324 is replaced by glycine, an amino acid with similar properties. This amino acid position is conserved. In addition, the in silico prediction for this alteration is inconclusive. Based on the available evidence, the clinical significance of this variant remains unclear.